The following is an entry in ClinVar:

NM_001199397.3(NEK1):c.1804C>T (p.Gln602Ter)

Gene: NEK1 (NIMA related kinase 1; minus strand). Cytogenetic location: 4q33.
Variant type: single nucleotide variant.
Coding change: c.1804C>T on transcript NM_001199397.3 (MANE Select); coding-DNA position 1804, C replaced by T.
Protein change: p.Gln602Ter; replaces glutamine 602 with a stop codon.
Molecular consequence: nonsense. On other transcripts: non-coding transcript variant (1).
Genome position (GRCh38, 1-based): chr4:169,508,277, G>A on the plus strand (C>T on the coding strand, the complement: NEK1 is on the minus strand). VCF-style: chr4-169508277-G-A. GRCh37 (hg19) VCF-style: chr4-170429428-G-A.
Other names: c.1672C>T, p.Gln558Ter (NM_001199398.3); c.1513C>T, p.Gln505Ter (NM_001199399.3); c.1588C>T, p.Gln530Ter (NM_001199400.3); c.1804C>T, p.Gln602Ter (NM_001374418.1); c.1720C>T, p.Gln574Ter (NM_001374419.1, NM_012224.4); c.1669C>T, p.Gln557Ter (NM_001374420.1); c.1594C>T, p.Gln532Ter (NM_001374421.1); short protein forms Q505*, Q530*, Q532*, Q557*, Q558*, Q574*, Q602*.
Identifiers: ClinVar variation 3024566 (VCV003024566.1), dbSNP rs2546553407, ClinGen allele CA358731695.

ClinVar aggregate classification (germline): Likely pathogenic (1 of 4 stars; one submission).

Conditions:
Amyotrophic lateral sclerosis, susceptibility to, 24. Identifiers: MedGen C4693523, MONDO:0054750, OMIM 617892.

Submission:

Concord Molecular Medicine Laboratory, Concord Repatriation General Hospital
Classification: Likely pathogenic for Amyotrophic lateral sclerosis, susceptibility to, 24. Last evaluated: 2024-02-27. Review status: criteria provided, single submitter. Criteria: ACMG Guidelines, 2015. Collection method: clinical testing. Allele origin: germline. Affected: yes.
Comment: Multiple recent genetic studies have identified that ALS patients exhibit a significant enrichment of predicted loss-of-function heterozygous variants in NEK1, which accounts for 2 to 3% of both familial and sporadic disease (PMID 37585529, 32920598, 35495032, 28935222, 36011394, 32772750, 34564799, 25700176, 26945885, 27455347, 28935222, 30976013, 31108397, 35361972, 34873335, 31475037). The variant has not been observed in control population database (gnomAD v4). It introduces a premature stop codon at residue 602 in coding exon number 19 out of 34 coding exons (exon 21 out of a total of 36 exons), p.(Gln602*). This variant is predicted to lead to loss of NEK1 function via nonsense mediated decay. Multiple frameshift/nonsense variants distal to the nonsense variant described in this patient have been reported in affected ALS patients. Loss of function is a known mechanism of the disease (GnomAD pLoF: 0.96).